The following is an entry in ClinVar:

ClinVar aggregate classification (germline): Conflicting classifications of pathogenicity. Review status: criteria provided, conflicting classifications (1 of 4 stars). 11 submissions from 11 submitters: Uncertain significance (1); Benign (2); Likely benign (6). 2 of the submissions do not count toward it. Last evaluated 2026-02-03.

Conditions:
BRIP1-related disorder. Also called: BRIP1-related condition; BRIP1-related disorders. Identifiers: MedGen CN239206.
Hereditary cancer-predisposing syndrome. Also called: Tumor predisposition; Hereditary Cancer Syndrome; Hereditary neoplastic syndrome; Neoplastic Syndromes, Hereditary. Identifiers: Orphanet 140162, MedGen C0027672, MeSH D009386, MONDO:0015356.
Familial cancer of breast. Also called: BREAST CANCER, FAMILIAL; hereditary breast carcinoma; Hereditary breast cancer. Identifiers: Orphanet 227535, MedGen C0346153, MONDO:0016419, OMIM 114480. Disease mechanism: loss of function.
Fanconi anemia complementation group J. Also called: BRIP1-Related Fanconi Anemia. Identifiers: Orphanet 84, MedGen C1836860, MONDO:0012187, OMIM 609054.

Allele frequency attached by ClinVar (database versions not stated): gnomAD exomes 0.00007 and 0.00016; ExAC 0.00008; gnomAD 0.00011; TOPMed 0.00012; 1000 Genomes Project 30x 0.00016; 1000 Genomes Project 0.00020; ESP Exome Variant Server 0.00031.
gnomAD v4.1: 267 of 1,614,068 alleles (0.017%); highest among the groups gnomAD compares: Non-Finnish European, 0.02%; no homozygotes.

Submissions (11):

Labcorp Genetics (formerly Invitae), Labcorp
Classification: Likely benign for Familial cancer of breast; Fanconi anemia complementation group J. Last evaluated: 2026-02-03. Review status: criteria provided, single submitter. Criteria: Invitae Variant Classification Sherloc (09022015). Collection method: clinical testing. Allele origin: germline.

Myriad Genetics, Inc.
Classification: Benign for Familial cancer of breast. Last evaluated: 2024-08-09. Review status: criteria provided, single submitter. Criteria: Myriad Autosomal Dominant, Autosomal Recessive and X-Linked Classification Criteria (2023). Collection method: clinical testing. Allele origin: unknown.
Comment: This variant is considered benign. This variant is a silent/synonymous amino acid change and it is not expected to impact splicing.

Department of Pathology and Laboratory Medicine, Sinai Health System
Classification: Likely benign for Familial cancer of breast. Last evaluated: 2022-05-30. Review status: criteria provided, single submitter. Criteria: ACMG Guidelines, 2015. Collection method: clinical testing. Allele origin: germline. Affected: yes.

Sema4
Classification: Likely benign for Hereditary cancer-predisposing syndrome. Last evaluated: 2020-11-30. Review status: criteria provided, single submitter. Criteria: Sema4 Curation Guidelines. Collection method: curation. Allele origin: germline.

ARUP Laboratories, Molecular Genetics and Genomics, ARUP Laboratories
Classification: Likely benign. Last evaluated: 2018-03-17. Review status: criteria provided, single submitter. Criteria: ARUP Molecular Germline Variant Investigation Process. Collection method: clinical testing. Allele origin: germline.
Comment: The c.249A>G; p.Gln83Gln variant (rs45528833, ClinVar variant ID 184395) does not alter the amino acid sequence of the BRIP1 protein and computational splice site prediction algorithms do not predict a change in the nearest splice site or creation of a cryptic splice site. This variant was detected in one individual among a healthy control cohort in a study of breast cancer risk (Guenard 2008). This variant is listed in the genome Aggregation Database (gnomAD) with an overall population frequency of 0.008% (identified on 21 out of 277,152 chromosomes). Based on the available information, the c.249A>G variant is likely to be benign.

Color Diagnostics, LLC DBA Color Health
Classification: Likely benign for Hereditary cancer-predisposing syndrome. Last evaluated: 2016-09-30. Review status: criteria provided, single submitter. Criteria: ACMG Guidelines, 2015. Collection method: clinical testing. Allele origin: germline.

Eurofins Ntd Llc (ga)
Classification: Uncertain significance. Last evaluated: 2015-04-09. Review status: criteria provided, single submitter. Criteria: EGL Classification Definitions 2015. Collection method: clinical testing. Allele origin: germline. Observed: 1 variant allele, 1 heterozygote.

GeneDx
Classification: Benign. Last evaluated: 2015-03-03. Review status: criteria provided, single submitter. Criteria: GeneDx Variant Classification Process June 2021. Collection method: clinical testing. Allele origin: germline. Affected: yes.

Ambry Genetics
Classification: Likely benign for Hereditary cancer-predisposing syndrome. Last evaluated: 2014-10-08. Review status: criteria provided, single submitter. Criteria: Ambry Variant Classification Scheme 2023. Collection method: clinical testing. Allele origin: germline.

Institute for Biomarker Research, Medical Diagnostic Laboratories, L.L.C.
Classification: Likely benign for Hereditary cancer-predisposing syndrome. Last evaluated: 2022-01-24. Review status: no assertion criteria provided. Collection method: clinical testing. Allele origin: germline. Not counted in ClinVar's aggregate classification.

PreventionGenetics, part of Exact Sciences
Classification: Likely benign for BRIP1-related condition. Last evaluated: 2019-11-19. Review status: no assertion criteria provided. Collection method: clinical testing. Allele origin: germline. Not counted in ClinVar's aggregate classification.
Comment: This variant is classified as likely benign based on ACMG/AMP sequence variant interpretation guidelines (Richards et al. 2015 PMID: 25741868, with internal and published modifications).

NM_032043.3(BRIP1):c.249A>G (p.Gln83=)

Gene: BRIP1 (BRCA1 interacting DNA helicase 1; minus strand). Cytogenetic location: 17q23.2.
Variant type: single nucleotide variant.
Coding change: c.249A>G on transcript NM_032043.3 (MANE Select); coding-DNA position 249, A replaced by G.
Protein change: p.Gln83=; no amino-acid change (glutamine 83 retained).
Molecular consequence: synonymous variant.
Genome position (GRCh38, 1-based): chr17:61,857,188, T>C on the plus strand (A>G on the coding strand, the complement: BRIP1 is on the minus strand). VCF-style: chr17-61857188-T-C. GRCh37 (hg19) VCF-style: chr17-59934549-T-C.
Identifiers: ClinVar variation 184395 (VCV000184395.36), dbSNP rs45528833, ClinGen allele CA188832.